The following is an entry in ClinVar:

ClinVar aggregate classification (germline): Benign (0 of 4 stars; one submission).

Conditions:
MLLT10-related disorder. Also called: MLLT10-related condition.

Submission:

PreventionGenetics, part of Exact Sciences
Classification: Benign for MLLT10-related condition. Last evaluated: 2019-07-15. Review status: no assertion criteria provided. Collection method: clinical testing. Allele origin: germline.
Comment: This variant is classified as benign based on ACMG/AMP sequence variant interpretation guidelines (Richards et al. 2015 PMID: 25741868, with internal and published modifications).

NM_001195626.3(MLLT10):c.406-11_406-10del

Gene: MLLT10 (MLLT10 histone lysine methyltransferase DOT1L cofactor; plus strand). Cytogenetic location: 10p12.31.
Variant type: Deletion.
Coding change: c.406-11_406-10del on transcript NM_001195626.3 (MANE Select); 11 bases into the intron before coding-DNA position 406 through 10 bases into the intron before coding-DNA position 406, 2 bases deleted (TT; older notation c.406-11_406-10delTT).
Molecular consequence: intron variant.
Genome position (GRCh38, 1-based): chr10:21,612,337-21,612,338, TT deleted; deleting any 2 consecutive bases within chr10:21,612,327-21,612,338 gives the same sequence; the c. name uses the placement nearest the transcript's 3' end. VCF-style (leftmost placement, unchanged base first): chr10-21612326-CTT-C. GRCh37 (hg19) VCF-style: chr10-21901255-CTT-C.
Other names: c.-466-11_-466-10del (NM_001324297.2); c.406-11_406-10del (NM_004641.4).
Identifiers: ClinVar variation 3050487 (VCV003050487.2), dbSNP rs369797804, ClinGen allele CA5434513.